The following is an entry in ClinVar:

NM_000361.3(THBD):c.820C>A (p.Gln274Lys)

Gene: THBD (thrombomodulin; minus strand). Cytogenetic location: 20p11.21.
Variant type: single nucleotide variant.
Coding change: c.820C>A on transcript NM_000361.3 (MANE Select); coding-DNA position 820, C replaced by A.
Protein change: p.Gln274Lys; replaces glutamine 274 with lysine.
Molecular consequence: missense variant.
Genome position (GRCh38, 1-based): chr20:23,048,685, G>T on the plus strand (C>A on the coding strand, the complement: THBD is on the minus strand). VCF-style: chr20-23048685-G-T. GRCh37 (hg19) VCF-style: chr20-23029322-G-T.
Other names: short protein forms Q274K.
Identifiers: ClinVar variation 4745473 (VCV004745473.1).
Genomic context (GRCh38, chr20:23,048,685, plus strand): 5'-GCTCGCAGAGGTCGTTGCAGGACTGCGTCGCGGATGCGGTGCAGGAGCGCCCGTCTGCCT[G>T]CAGGGCGGCGCCGGCTGGGCACTGGCAGCGGGGAGCCCCAGGGATCGCATTGCACGCGTG-3'
Protein context (NP_000352.1, residues 264-284): RCQCPAGAAL[Gln274Lys]ADGRSCTASA

ClinVar aggregate classification (germline): Uncertain significance (1 of 4 stars; one submission).

gnomAD v4.1: 1 of 1,586,718 alleles (0.000063%); no homozygotes.

Submission:

Labcorp Genetics (formerly Invitae), Labcorp
Classification: Uncertain significance. Last evaluated: 2025-09-30. Review status: criteria provided, single submitter. Criteria: Invitae Variant Classification Sherloc (09022015). Collection method: clinical testing. Allele origin: germline.
Comment: This sequence change replaces glutamine, which is neutral and polar, with lysine, which is basic and polar, at codon 274 of the THBD protein (p.Gln274Lys). The frequency data for this variant in the population databases is considered unreliable, as metrics indicate poor data quality at this position in the gnomAD database. This variant has not been reported in the literature in individuals affected with THBD-related conditions. Invitae Evidence Modeling of protein sequence and biophysical properties (such as structural, functional, and spatial information, amino acid conservation, physicochemical variation, residue mobility, and thermodynamic stability) indicates that this missense variant is not expected to disrupt THBD protein function with a negative predictive value of 80%. In summary, the available evidence is currently insufficient to determine the role of this variant in disease. Therefore, it has been classified as a Variant of Uncertain Significance.